The following is an entry in ClinVar:

ClinVar aggregate classification (germline): Uncertain significance. Review status: criteria provided, multiple submitters, no conflicts (2 of 4 stars). 3 submissions from 3 submitters: Uncertain significance (3). Last evaluated 2025-02-10.

Conditions:
Inborn genetic diseases. Identifiers: MedGen C0950123, MeSH D030342.
Muscular dystrophy-dystroglycanopathy (congenital with brain and eye anomalies), type a, 8 (MDDGA8). Also called: WALKER-WARBURG SYNDROME OR MUSCLE-EYE-BRAIN DISEASE, GTDC2-RELATED. Identifiers: Orphanet 899, MedGen C3553813, MONDO:0013904, OMIM 614830.

Allele frequency attached by ClinVar (database versions not stated): TOPMed 0.00008.

Submissions (3):

Women's Health and Genetics/Laboratory Corporation of America, LabCorp
Classification: Uncertain significance. Last evaluated: 2025-02-10. Review status: criteria provided, single submitter. Criteria: LabCorp Variant Classification Summary - May 2015. Collection method: clinical testing. Allele origin: germline.
Comment: Variant summary: POMGNT2 c.1312C>T (p.Arg438Trp) results in a non-conservative amino acid change in the encoded protein sequence. Five of five in-silico tools predict a damaging effect of the variant on protein function. The variant allele was found at a frequency of 6.8e-05 in 250792 control chromosomes. This frequency is not significantly higher than estimated for a pathogenic variant in POMGNT2 causing Muscular dystrophy-dystroglycanopathy (congenital with brain and eye anomalies), type a, 8 (6.8e-05 vs 0.0011), allowing no conclusion about variant significance. To our knowledge, no occurrence of c.1312C>T in individuals affected with Muscular dystrophy-dystroglycanopathy (congenital with brain and eye anomalies), type a, 8 and no experimental evidence demonstrating its impact on protein function have been reported. ClinVar contains an entry for this variant (Variation ID: 937621). Based on the evidence outlined above, the variant was classified as uncertain significance.

Labcorp Genetics (formerly Invitae), Labcorp
Classification: Uncertain significance for Muscular dystrophy-dystroglycanopathy (congenital with brain and eye anomalies), type a, 8. Last evaluated: 2023-10-13. Review status: criteria provided, single submitter. Criteria: Invitae Variant Classification Sherloc (09022015). Collection method: clinical testing. Allele origin: germline.
Comment: This sequence change replaces arginine, which is basic and polar, with tryptophan, which is neutral and slightly polar, at codon 438 of the POMGNT2 protein (p.Arg438Trp). This variant is present in population databases (rs758077352, gnomAD 0.02%). This variant has not been reported in the literature in individuals affected with POMGNT2-related conditions. ClinVar contains an entry for this variant (Variation ID: 937621). Advanced modeling of protein sequence and biophysical properties (such as structural, functional, and spatial information, amino acid conservation, physicochemical variation, residue mobility, and thermodynamic stability) performed at Invitae indicates that this missense variant is not expected to disrupt POMGNT2 protein function. In summary, the available evidence is currently insufficient to determine the role of this variant in disease. Therefore, it has been classified as a Variant of Uncertain Significance.

Ambry Genetics
Classification: Uncertain significance for Inborn genetic diseases. Last evaluated: 2023-01-24. Review status: criteria provided, single submitter. Criteria: Ambry Variant Classification Scheme 2023. Collection method: clinical testing. Allele origin: germline.

NM_032806.6(POMGNT2):c.1312C>T (p.Arg438Trp)

Gene: POMGNT2 (protein O-linked mannose N-acetylglucosaminyltransferase 2 (beta 1,4-); minus strand). Cytogenetic location: 3p22.1.
Variant type: single nucleotide variant.
Coding change: c.1312C>T on transcript NM_032806.6 (MANE Select); coding-DNA position 1312, C replaced by T.
Protein change: p.Arg438Trp; replaces arginine 438 with tryptophan.
Molecular consequence: missense variant.
Genome position (GRCh38, 1-based): chr3:43,080,120, G>A on the plus strand (C>T on the coding strand, the complement: POMGNT2 is on the minus strand). VCF-style: chr3-43080120-G-A. GRCh37 (hg19) VCF-style: chr3-43121612-G-A.
Other names: c.1312C>T (NM_032806.4); short protein forms R438W.
Identifiers: ClinVar variation 937621 (VCV000937621.7), dbSNP rs758077352, ClinGen allele CA2339878.